The following is an entry in ClinVar:

NM_001039591.3(USP9X):c.3726A>G (p.Ile1242Met)

Gene: USP9X (ubiquitin specific peptidase 9 X-linked; plus strand). Cytogenetic location: Xp11.4.
Variant type: single nucleotide variant.
Coding change: c.3726A>G on transcript NM_001039591.3 (MANE Select); coding-DNA position 3726, A replaced by G.
Protein change: p.Ile1242Met; replaces isoleucine 1242 with methionine.
Molecular consequence: missense variant.
Genome position (GRCh38, 1-based): chrX:41,188,033, A>G. VCF-style: chrX-41188033-A-G. GRCh37 (hg19) VCF-style: chrX-41047286-A-G.
Other names: c.3726A>G, p.Ile1242Met (NM_001039590.3); c.3741A>G, p.Ile1247Met (NM_001410748.1, NM_001410749.1, NM_001437534.1); short protein forms I1242M, I1247M.
Identifiers: ClinVar variation 4882352 (VCV004882352.3).

ClinVar aggregate classification (germline): Uncertain significance. Review status: criteria provided, multiple submitters, no conflicts (2 of 4 stars). 2 submissions from 2 submitters: Uncertain significance (2). Last evaluated 2026-08-06.

Conditions:
Intellectual developmental disorder, X-linked 99, syndromic, female-restricted. Also called: Intellectual disability, X-linked 99, syndromic, female-restricted. Identifiers: MedGen C4225416, MONDO:0010502, OMIM 300968.

Submissions (2):

OLLIN Analises Genomicas, OLLIN
Classification: Uncertain significance for Intellectual developmental disorder, X-linked 99, syndromic, female-restricted. Last evaluated: 2026-08-06. Review status: criteria provided, single submitter. Criteria: ACMG Guidelines 2015 PMID 25741868. Collection method: clinical testing. Allele origin: germline.
Comment: This missense variant, located in exon 25 (of 45), has been observed in gnomAD with an allele frequency of 0.00041%, but has not been reported in ClinVar or identified in the literature. In silico analysis predicts that this variant has a tolerated effect. This gene is constrained for missense variation. According to the currently available evidence, this variant has been classified as uncertain significance (PP2, BP4_M).

Dasa
Classification: Uncertain significance. Last evaluated: 2025-10-07. Review status: criteria provided, single submitter. Criteria: DASA Assertion Criteria. Collection method: clinical testing. Allele origin: germline.
Comment: NM_001039591.3(USP9X):c.3726A>G (p.Ile1242Met) is a missense variant that results in the substitution of isoleucine with methionine. This variant is rare in population databases. The currently available literature and clinical evidence are not sufficient to establish a definitive association between this variant and the reported condition. Therefore, this variant is classified as a variant of uncertain significance.